The following is an entry in ClinVar:

ClinVar aggregate classification (germline): Conflicting classifications of pathogenicity. Review status: criteria provided, conflicting classifications (1 of 4 stars). 2 submissions from 2 submitters: Uncertain significance (1); Benign (1). Last evaluated 2026-01-20.

Allele frequency attached by ClinVar (database versions not stated): ESP Exome Variant Server 0.00015; gnomAD exomes 0.00015 and 0.00032; gnomAD 0.00018 and 0.00019; TOPMed 0.00019; ExAC 0.00025.
gnomAD v4.1: 278 of 1,614,084 alleles (0.017%); highest among the groups gnomAD compares: Non-Finnish European, 0.0034%; no homozygotes.

Submissions (2):

Labcorp Genetics (formerly Invitae), Labcorp
Classification: Benign. Last evaluated: 2026-01-20. Review status: criteria provided, single submitter. Criteria: Invitae Variant Classification Sherloc (09022015). Collection method: clinical testing. Allele origin: germline.

Greenwood Genetic Center Diagnostic Laboratories, Greenwood Genetic Center
Classification: Uncertain significance. Last evaluated: 2021-03-04. Review status: criteria provided, single submitter. Criteria: ACMG Guidelines, 2015. Collection method: clinical testing. Allele origin: germline. Affected: yes.
Comment: No ACMG evidence could be applied applied

NM_015665.6(AAAS):c.996+12C>T

Gene: AAAS (aladin WD repeat nucleoporin; minus strand). Cytogenetic location: 12q13.13.
Variant type: single nucleotide variant.
Coding change: c.996+12C>T on transcript NM_015665.6 (MANE Select); 12 bases into the intron after coding-DNA position 996, C replaced by T.
Molecular consequence: intron variant.
Genome position (GRCh38, 1-based): chr12:53,308,948, G>A on the plus strand (C>T on the coding strand, the complement: AAAS is on the minus strand). VCF-style: chr12-53308948-G-A. GRCh37 (hg19) VCF-style: chr12-53702732-G-A.
Other names: c.897+12C>T (NM_001173466.2).
Identifiers: ClinVar variation 309729 (VCV000309729.10), dbSNP rs200312077, ClinGen allele CA6599029.
Genomic context (GRCh38, chr12:53,308,948, plus strand): 5'-AGGTTTGGGAGCATCAGGGGCCCATTGGAATCATCTCCTCCCCAGTGTCTGTGAATCAGA[G>A]TCCCCTCTTACCTGACAGCGCCCTGATAGAGTAGGCCACCTCTCACAAGTCCACATCTGG-3'